The following is an entry in ClinVar:

ClinVar aggregate classification (germline): Likely benign (1 of 4 stars; one submission).

Allele frequency attached by ClinVar (database versions not stated): TOPMed 0.00002; ExAC 0.00004.
gnomAD v4.1: 44 of 1,600,406 alleles (0.0027%); highest among the groups gnomAD compares: East Asian, 0.0045%; no homozygotes.

Submission:

GeneDx
Classification: Likely benign. Last evaluated: 2012-04-26. Review status: criteria provided, single submitter. Criteria: GeneDx Variant Classification (06012015). Collection method: clinical testing. Allele origin: germline. Affected: yes.
Comment: This variant is considered likely benign or benign based on one or more of the following criteria: it is a conservative change, it occurs at a poorly conserved position in the protein, it is predicted to be benign by multiple in silico algorithms, and/or has population frequency not consistent with disease.

NM_176795.5(HRAS):c.500C>T (p.Pro167Leu)

Genes: HRAS (HRas proto-oncogene, GTPase; minus strand), LRRC56 (leucine rich repeat containing 56; plus strand). Cytogenetic location: 11p15.5.
Variant type: single nucleotide variant.
Coding change: c.500C>T on transcript NM_176795.5 (MANE Plus Clinical); coding-DNA position 500, C replaced by T.
Protein change: p.Pro167Leu; replaces proline 167 with leucine.
Molecular consequence: missense variant. On other transcripts: intron variant (2).
Genome position (GRCh38, 1-based): chr11:533,309, G>A on the plus strand (C>T on the coding strand, the complement: HRAS is on the minus strand). VCF-style: chr11-533309-G-A. GRCh37 (hg19) VCF-style: chr11-533309-G-A.
Other names: p.P167L:CCG>CTG; c.181C>T, p.Arg61Trp (NM_001318054.2); c.450+144C>T (NM_005343.4, NM_001130442.3); short protein forms P167L, R61W.
Identifiers: ClinVar variation 40444 (VCV000040444.1), dbSNP rs730880457, ClinGen allele CA296050.